The following is an entry in ClinVar:

NM_153460.4(IL17RC):c.1772A>C (p.Glu591Ala)

Gene: IL17RC (interleukin 17 receptor C; plus strand). Cytogenetic location: 3p25.3.
Variant type: single nucleotide variant.
Coding change: c.1772A>C on transcript NM_153460.4 (MANE Select); coding-DNA position 1772, A replaced by C.
Protein change: p.Glu591Ala; replaces glutamic acid 591 with alanine.
Molecular consequence: missense variant. On other transcripts: non-coding transcript variant (1).
Genome position (GRCh38, 1-based): chr3:9,933,202, A>C. VCF-style: chr3-9933202-A-C. GRCh37 (hg19) VCF-style: chr3-9974886-A-C.
Other names: c.1733A>C, p.Glu578Ala (NM_001203263.2); c.1682A>C, p.Glu561Ala (NM_001203264.2); c.1676A>C, p.Glu559Ala (NM_001203265.2); c.1694A>C, p.Glu565Ala (NM_001367278.1); c.1613A>C, p.Glu538Ala (NM_001367279.1); c.1688A>C, p.Glu563Ala (NM_001367280.1); c.1727A>C, p.Glu576Ala (NM_032732.6); c.1985A>C, p.Glu662Ala (NM_153461.4); short protein forms E538A, E559A, E561A, E563A, E565A, E576A, E578A, E591A.
Identifiers: ClinVar variation 1024376 (VCV001024376.5), dbSNP rs772294019, ClinGen allele CA2247405.

ClinVar aggregate classification (germline): Uncertain significance (1 of 4 stars; one submission).

Conditions:
Candidiasis, familial, 9 (CANDF9). Identifiers: Orphanet 1334, MedGen C4225324, MONDO:0014642, OMIM 616445.

Allele frequency attached by ClinVar (database versions not stated): gnomAD exomes below 0.00001 and 0.00001; TOPMed below 0.00001; ExAC 0.00001.
gnomAD v4.1: 1 of 1,608,284 alleles (0.000062%); highest among the groups gnomAD compares: Non-Finnish European, 0.000085%; no homozygotes.

Submission:

Labcorp Genetics (formerly Invitae), Labcorp
Classification: Uncertain significance for Candidiasis, familial, 9. Last evaluated: 2024-02-24. Review status: criteria provided, single submitter. Criteria: Invitae Variant Classification Sherloc (09022015). Collection method: clinical testing. Allele origin: germline.
Comment: This sequence change replaces glutamic acid, which is acidic and polar, with alanine, which is neutral and non-polar, at codon 662 of the IL17RC protein (p.Glu662Ala). This variant is present in population databases (rs772294019, gnomAD 0.001%). This variant has not been reported in the literature in individuals affected with IL17RC-related conditions. ClinVar contains an entry for this variant (Variation ID: 1024376). An algorithm developed to predict the effect of missense changes on protein structure and function (PolyPhen-2) suggests that this variant is likely to be disruptive. In summary, the available evidence is currently insufficient to determine the role of this variant in disease. Therefore, it has been classified as a Variant of Uncertain Significance.